The following is an entry in ClinVar:

ClinVar aggregate classification (germline): Uncertain significance (1 of 4 stars; one submission).

Conditions:
PURA-related disorder. Also called: PURA-related condition.

Submission:

PreventionGenetics, part of Exact Sciences
Classification: Uncertain significance for PURA-related condition. Last evaluated: 2024-11-27. Review status: criteria provided, single submitter. Criteria: ACMG Guidelines, 2015. Collection method: clinical testing. Allele origin: germline.
Comment: The PURA c.467A>G variant is predicted to result in the amino acid substitution p.Tyr156Cys. To our knowledge, this variant has not been reported in the literature or in a large population database (gnomAD), indicating this variant is rare. At this time, the clinical significance of this variant is uncertain due to the absence of conclusive functional and genetic evidence.

NM_005859.5(PURA):c.467A>G (p.Tyr156Cys)

Gene: PURA (purine rich element binding protein A; plus strand). Cytogenetic location: 5q31.3.
Variant type: single nucleotide variant.
Coding change: c.467A>G on transcript NM_005859.5 (MANE Select); coding-DNA position 467, A replaced by G.
Protein change: p.Tyr156Cys; replaces tyrosine 156 with cysteine.
Molecular consequence: missense variant.
Genome position (GRCh38, 1-based): chr5:140,114,648, A>G. VCF-style: chr5-140114648-A-G. GRCh37 (hg19) VCF-style: chr5-139494233-A-G.
Other names: short protein forms Y156C.
Identifiers: ClinVar variation 2631659 (VCV002631659.2), dbSNP rs2479505309, ClinGen allele CA361490834.